The following is an entry in ClinVar:

NM_000038.6(APC):c.-19+4791C>A

Gene: APC (APC regulator of WNT signaling pathway; plus strand). Cytogenetic location: 5q22.2.
Variant type: single nucleotide variant.
Coding change: c.-19+4791C>A on transcript NM_000038.6 (MANE Select); 4791 bases into the intron after 19 bases upstream of the start codon, C replaced by A.
Molecular consequence: intron variant.
Genome position (GRCh38, 1-based): chr5:112,742,716, C>A. VCF-style: chr5-112742716-C-A. GRCh37 (hg19) VCF-style: chr5-112078413-C-A.
Other names: c.-18-12157C>A (NM_001354895.2); c.166-23610C>A (NM_001354897.2, NM_001354902.2, NM_001127511.3); c.-19+4256C>A (NM_001127510.3); c.60+4256C>A (NM_001354898.2, NM_001354904.2); c.-1054+4791C>A (NM_001354906.2); c.-19+4791C>A (NM_001354896.2, NM_001354903.2, NM_001354899.2); c.-43+4791C>A (NM_001354900.2, NM_001354901.2, NM_001354905.2).
Identifiers: ClinVar variation 82762 (VCV000082762.2), dbSNP rs74427656, ClinGen allele CA006514.

ClinVar aggregate classification (germline): other (0 of 4 stars; one submission).

Conditions:
Familial colorectal cancer. Identifiers: MedGen CN280943, MONDO:0023113. Disease mechanism: loss of function.

Submission:

Systems Biology Platform Zhejiang California International NanoSystems Institute
Classification: other for Familial colorectal cancer. Review status: no assertion criteria provided. Collection method: not provided. Allele origin: unknown.
ClinVar note: Converted during submission from cancer to other.